The following is an entry in ClinVar:

NM_019032.6(ADAMTSL4):c.508C>T (p.Arg170Trp)

Genes: ADAMTSL4 (ADAMTS like 4; plus strand), ADAMTSL4-AS2 (ADAMTSL4 antisense RNA 2; minus strand). Cytogenetic location: 1q21.2.
Variant type: single nucleotide variant.
Coding change: c.508C>T on transcript NM_019032.6 (MANE Select); coding-DNA position 508, C replaced by T.
Protein change: p.Arg170Trp; replaces arginine 170 with tryptophan.
Molecular consequence: missense variant.
Genome position (GRCh38, 1-based): chr1:150,553,499, C>T. VCF-style: chr1-150553499-C-T. GRCh37 (hg19) VCF-style: chr1-150525975-C-T.
Other names: c.508C>T, p.Arg170Trp (NM_001288607.2, NM_001288608.2, NM_001378596.1 and 1 more transcripts); short protein forms R170W.
Identifiers: ClinVar variation 1345519 (VCV001345519.5), dbSNP rs747678360, ClinGen allele CA1077977.
Genomic context (GRCh38, chr1:150,553,499, plus strand): 5'-GACCCCATCAAGCCAGGAATGTTCGGTTATGGGAGAGTGCCCTTTGCATTGCCACTGCAC[C>T]GGAACCGCAGGCACCCTCGGAGCCCACCCAGATCTGAGCTGTCCCTGATCTCTTCTAGAG-3'
Protein context (NP_061905.2, residues 160-180): GRVPFALPLH[Arg170Trp]NRRHPRSPPR

ClinVar aggregate classification (germline): Uncertain significance (1 of 4 stars; one submission).

Allele frequency attached by ClinVar (database versions not stated): TOPMed 0.00002; gnomAD 0.00003 and 0.00004; gnomAD exomes 0.00003 and 0.00009; ExAC 0.00006.

Submission:

Labcorp Genetics (formerly Invitae), Labcorp
Classification: Uncertain significance. Last evaluated: 2025-06-29. Review status: criteria provided, single submitter. Criteria: Invitae Variant Classification Sherloc (09022015). Collection method: clinical testing. Allele origin: germline.
Comment: This sequence change replaces arginine, which is basic and polar, with tryptophan, which is neutral and slightly polar, at codon 170 of the ADAMTSL4 protein (p.Arg170Trp). This variant is present in population databases (rs747678360, gnomAD 0.04%). This variant has not been reported in the literature in individuals affected with ADAMTSL4-related conditions. ClinVar contains an entry for this variant (Variation ID: 1345519). Invitae Evidence Modeling of protein sequence and biophysical properties (such as structural, functional, and spatial information, amino acid conservation, physicochemical variation, residue mobility, and thermodynamic stability) has been performed for this missense variant. However, the output from this modeling did not meet the statistical confidence thresholds required to predict the impact of this variant on ADAMTSL4 protein function. In summary, the available evidence is currently insufficient to determine the role of this variant in disease. Therefore, it has been classified as a Variant of Uncertain Significance.